The following is an entry in ClinVar:

ClinVar aggregate classification (germline): Uncertain significance (1 of 4 stars; one submission).

Submission:

Dasa
Classification: Uncertain significance. Last evaluated: 2025-11-03. Review status: criteria provided, single submitter. Criteria: DASA Assertion Criteria. Collection method: clinical testing. Allele origin: germline.
Comment: NM_001614.5(ACTG1):c.683C>T (p.Ala228Val) is a missense variant that results in the substitution of alanine with valine. The affected residue or protein region has prior evidence supporting clinical relevance. This variant is absent from population databases. The currently available literature and clinical evidence are not sufficient to establish a definitive association between this variant and the reported condition. Therefore, this variant is classified as a variant of uncertain significance.

NM_001614.5(ACTG1):c.683C>T (p.Ala228Val)

Gene: ACTG1 (actin gamma 1; minus strand). Cytogenetic location: 17q25.3.
Variant type: single nucleotide variant.
Coding change: c.683C>T on transcript NM_001614.5 (MANE Select); coding-DNA position 683, C replaced by T.
Protein change: p.Ala228Val; replaces alanine 228 with valine.
Molecular consequence: missense variant. On other transcripts: non-coding transcript variant (1).
Genome position (GRCh38, 1-based): chr17:81,511,307, G>A on the plus strand (C>T on the coding strand, the complement: ACTG1 is on the minus strand). VCF-style: chr17-81511307-G-A. GRCh37 (hg19) VCF-style: chr17-79478333-G-A.
Other names: c.683C>T, p.Ala228Val (NM_001199954.3); short protein forms A228V.
Identifiers: ClinVar variation 4883338 (VCV004883338.2).